The following is an entry in ClinVar:

ClinVar aggregate classification (germline): Uncertain significance. Review status: criteria provided, multiple submitters, no conflicts (2 of 4 stars). 6 submissions from 6 submitters: Uncertain significance (6). Last evaluated 2025-03-04.

Conditions:
Hereditary nonpolyposis colorectal neoplasms. Identifiers: MedGen C0009405, MeSH D003123.
Lynch syndrome. Identifiers: Orphanet 144, MedGen C4552100, MONDO:0005835. Disease mechanism: loss of function.
Hereditary cancer-predisposing syndrome. Also called: Hereditary neoplastic syndrome; Tumor predisposition; Neoplastic Syndromes, Hereditary; Hereditary Cancer Syndrome. Identifiers: Orphanet 140162, MedGen C0027672, MeSH D009386, MONDO:0015356.
Lynch syndrome 4 (LYNCH4). Also called: Hereditary non-polyposis colorectal cancer, type 4; Colorectal cancer, hereditary nonpolyposis, type 4. Identifiers: Orphanet 144, MedGen C1838333, MONDO:0013699, OMIM 614337. Disease mechanism: loss of function.

Allele frequency attached by ClinVar (database versions not stated): TOPMed below 0.00001; ExAC 0.00001.

Submissions (6):

Center for Genomic Medicine, Rigshospitalet, Copenhagen University Hospital
Classification: Uncertain significance. Last evaluated: 2025-03-04. Review status: criteria provided, single submitter. Criteria: ACMG Guidelines, 2015. Collection method: clinical testing. Allele origin: germline.

Ambry Genetics
Classification: Uncertain significance for Hereditary cancer-predisposing syndrome. Last evaluated: 2024-11-06. Review status: criteria provided, single submitter. Criteria: Ambry Variant Classification Scheme 2023. Collection method: clinical testing. Allele origin: germline.
Comment: The p.P794A variant (also known as c.2380C>G), located in coding exon 14 of the PMS2 gene, results from a C to G substitution at nucleotide position 2380. The proline at codon 794 is replaced by alanine, an amino acid with highly similar properties. This amino acid position is highly conserved in available vertebrate species. In addition, the in silico prediction for this alteration is inconclusive. Based on the available evidence, the clinical significance of this variant remains unclear.

Labcorp Genetics (formerly Invitae), Labcorp
Classification: Uncertain significance for Hereditary nonpolyposis colorectal neoplasms. Last evaluated: 2024-06-10. Review status: criteria provided, single submitter. Criteria: Invitae Variant Classification Sherloc (09022015). Collection method: clinical testing. Allele origin: germline.
Comment: This sequence change replaces proline, which is neutral and non-polar, with alanine, which is neutral and non-polar, at codon 794 of the PMS2 protein (p.Pro794Ala). The frequency data for this variant in the population databases (gnomAD) is considered unreliable due to the presence of homologous sequence, such as pseudogenes or paralogs, in the genome. This variant has not been reported in the literature in individuals affected with PMS2-related conditions. ClinVar contains an entry for this variant (Variation ID: 569181). Advanced modeling of protein sequence and biophysical properties (such as structural, functional, and spatial information, amino acid conservation, physicochemical variation, residue mobility, and thermodynamic stability) performed at Invitae indicates that this missense variant is expected to disrupt PMS2 protein function with a positive predictive value of 80%. In summary, the available evidence is currently insufficient to determine the role of this variant in disease. Therefore, it has been classified as a Variant of Uncertain Significance.

GeneDx
Classification: Uncertain significance. Last evaluated: 2024-04-26. Review status: criteria provided, single submitter. Criteria: GeneDx Variant Classification Process June 2021. Collection method: clinical testing. Allele origin: germline. Affected: yes.
Comment: Not observed at significant frequency in large population cohorts (gnomAD); In silico analysis supports that this missense variant has a deleterious effect on protein structure/function; Has not been previously published as pathogenic or benign to our knowledge; This variant is associated with the following publications: (PMID: 27694994, Fukui2011[Chapter])

Molecular Pathology, Peter Maccallum Cancer Centre
Classification: Uncertain significance for Lynch syndrome 4. Last evaluated: 2024-01-02. Review status: criteria provided, single submitter. Criteria: ACMG Guidelines, 2015. Collection method: clinical testing. Allele origin: germline. Inheritance: Autosomal dominant inheritance.

Department of Pathology and Laboratory Medicine, Sinai Health System
Classification: Uncertain significance for Lynch syndrome. Last evaluated: 2022-06-28. Review status: criteria provided, single submitter. Criteria: ACMG Guidelines, 2015. Collection method: clinical testing. Allele origin: germline. Affected: yes.

NM_000535.7(PMS2):c.2380C>G (p.Pro794Ala)

Gene: PMS2 (PMS1 homolog 2, mismatch repair system component; minus strand). Cytogenetic location: 7p22.1.
Variant type: single nucleotide variant.
Coding change: c.2380C>G on transcript NM_000535.7 (MANE Select); coding-DNA position 2380, C replaced by G.
Protein change: p.Pro794Ala; replaces proline 794 with alanine.
Molecular consequence: missense variant. On other transcripts: non-coding transcript variant (1).
Genome position (GRCh38, 1-based): chr7:5,977,653, G>C on the plus strand (C>G on the coding strand, the complement: PMS2 is on the minus strand). VCF-style: chr7-5977653-G-C. GRCh37 (hg19) VCF-style: chr7-6017284-G-C.
Other names: c.2413C>G, p.Pro805Ala (NM_001322014.2); c.2071C>G, p.Pro691Ala (NM_001322015.2); c.1975C>G, p.Pro659Ala (NM_001322003.2, NM_001322004.2, NM_001322005.2); c.2224C>G, p.Pro742Ala (NM_001322006.2); c.2062C>G, p.Pro688Ala (NM_001322007.2, NM_001322008.2); c.2008C>G, p.Pro670Ala (NM_001322009.2); c.1819C>G, p.Pro607Ala (NM_001322010.2); c.1447C>G, p.Pro483Ala (NM_001322011.2, NM_001322012.2); and 1 more; short protein forms P794A, P483A, P688A, P603A, P670A, P805A, P659A, P691A.
Identifiers: ClinVar variation 569181 (VCV000569181.18), dbSNP rs773393960, ClinGen allele CA047936.